The following is an entry in ClinVar:

ClinVar aggregate classification (germline): Uncertain significance (1 of 4 stars; one submission).

Submission:

Labcorp Genetics (formerly Invitae), Labcorp
Classification: Uncertain significance. Last evaluated: 2024-02-05. Review status: criteria provided, single submitter. Criteria: Invitae Variant Classification Sherloc (09022015). Collection method: clinical testing. Allele origin: germline.
Comment: This sequence change replaces lysine, which is basic and polar, with threonine, which is neutral and polar, at codon 5 of the DTHD1 protein (p.Lys5Thr). This variant is not present in population databases (gnomAD no frequency). This variant has not been reported in the literature in individuals affected with DTHD1-related conditions. ClinVar contains an entry for this variant (Variation ID: 2105507). An algorithm developed to predict the effect of missense changes on protein structure and function (PolyPhen-2) suggests that this variant is likely to be tolerated. In summary, the available evidence is currently insufficient to determine the role of this variant in disease. Therefore, it has been classified as a Variant of Uncertain Significance.

NM_001170700.3(DTHD1):c.268A>C (p.Lys90Gln)

Gene: DTHD1 (death domain containing 1; plus strand). Cytogenetic location: 4p14.
Variant type: single nucleotide variant.
Coding change: c.268A>C on transcript NM_001170700.3 (MANE Select); coding-DNA position 268, A replaced by C.
Protein change: p.Lys90Gln; replaces lysine 90 with glutamine.
Molecular consequence: missense variant. On other transcripts: non-coding transcript variant (2).
Genome position (GRCh38, 1-based): chr4:36,282,026, A>C. VCF-style: chr4-36282026-A-C. GRCh37 (hg19) VCF-style: chr4-36283648-A-C.
Other names: c.14A>C, p.Lys5Thr (NM_001136536.5, NM_001378435.1); short protein forms K5T, K90Q.
Identifiers: ClinVar variation 2105507 (VCV002105507.4), dbSNP rs2529693503, ClinGen allele CA356677076.